The following is an entry in ClinVar:

ClinVar aggregate classification (germline): Benign. Review status: criteria provided, multiple submitters, no conflicts (2 of 4 stars). 4 submissions from 2 submitters: Benign (4). Last evaluated 2018-07-21.

Conditions:
Polydactyly. Also called: polydactylism. Identifiers: MedGen C0152427, MONDO:0021003, OMIM 603596, HP:0010442.
Pallister-Hall syndrome (PHS). Also called: HYPOTHALAMIC HAMARTOBLASTOMA, HYPOPITUITARISM, IMPERFORATE ANUS, AND POSTAXIAL POLYDACTYLY; GLI3-Related Pallister-Hall Syndrome. Identifiers: Orphanet 672, MedGen C0265220, MONDO:0007804, OMIM 146510.
Greig cephalopolysyndactyly syndrome (GCPS). Also called: POLYSYNDACTYLY WITH PECULIAR SKULL SHAPE; Greig syndrome; GLI3-Related Greig Cephalopolysyndactyly Syndrome. Identifiers: Orphanet 380, MedGen C0265306, MONDO:0008287, OMIM 175700.

Allele frequency attached by ClinVar (database versions not stated): gnomAD exomes 0.00260; gnomAD 0.01929 and 0.02026; TOPMed 0.02413; 1000 Genomes Project 0.02496.
gnomAD v4.1: 3,202 of 279,424 alleles (1.1%); highest among the groups gnomAD compares: African/African-American, 4.8%; 84 homozygotes.

Submissions (4):

GeneDx
Classification: Benign. Last evaluated: 2018-07-21. Review status: criteria provided, single submitter. Criteria: GeneDx Variant Classification Process June 2021. Collection method: clinical testing. Allele origin: germline. Affected: yes.

Illumina Laboratory Services, Illumina
Classification: Benign for Pallister-Hall syndrome. Last evaluated: 2018-01-13. Review status: criteria provided, single submitter. Criteria: ICSL Variant Classification Criteria 13 December 2019. Collection method: clinical testing. Allele origin: germline.
Comment: This variant was observed in the ICSL laboratory as part of a predisposition screen in an ostensibly healthy population. It had not been previously curated by ICSL or reported in the Human Gene Mutation Database (HGMD: prior to June 1st, 2018), and was therefore a candidate for classification through an automated scoring system. Utilizing variant allele frequency, disease prevalence and penetrance estimates, and inheritance mode, an automated score was calculated to assess if this variant is too frequent to cause the disease. Based on the score and internal cut-off values, a variant classified as benign is not then subjected to further curation. The score for this variant resulted in a classification of benign for this disease.

Illumina Laboratory Services, Illumina
Classification: Benign for Greig cephalopolysyndactyly syndrome. Last evaluated: 2018-01-13. Review status: criteria provided, single submitter. Criteria: ICSL Variant Classification Criteria 13 December 2019. Collection method: clinical testing. Allele origin: germline.
Comment: the same text as in the submission from Illumina Laboratory Services, Illumina above.

Illumina Laboratory Services, Illumina
Classification: Benign for Polydactyly. Last evaluated: 2018-01-13. Review status: criteria provided, single submitter. Criteria: ICSL Variant Classification Criteria 13 December 2019. Collection method: clinical testing. Allele origin: germline.
Comment: the same text as in the submission from Illumina Laboratory Services, Illumina above.

NM_000168.6(GLI3):c.*249A>T

Gene: GLI3 (GLI family zinc finger 3; minus strand). Cytogenetic location: 7p14.1.
Variant type: single nucleotide variant.
Coding change: c.*249A>T on transcript NM_000168.6 (MANE Select); 249 bases downstream of the stop codon, A replaced by T.
Molecular consequence: 3 prime UTR variant.
Genome position (GRCh38, 1-based): chr7:41,964,081, T>A on the plus strand (A>T on the coding strand, the complement: GLI3 is on the minus strand). VCF-style: chr7-41964081-T-A. GRCh37 (hg19) VCF-style: chr7-42003679-T-A.
Identifiers: ClinVar variation 360213 (VCV000360213.8), dbSNP rs6972450, ClinGen allele CA10623982.
Genomic context (GRCh38, chr7:41,964,081, plus strand): 5'-CACAAATTTACATCGGTTTACTAAAAAGGGGGCGGGGCTTACAGTTTTTTTTTTTTTTTT[T>A]AAAAAGAGGGTGGTTTGAGTGTAACAATACTGATTCAAAACTGAAATGGAAGACAGTTTC-3'